The following is an entry in ClinVar:

ClinVar aggregate classification (germline): Likely benign. Review status: criteria provided, multiple submitters, no conflicts (2 of 4 stars). 4 submissions from 4 submitters: Likely benign (3). 1 of the submissions does not count toward it. Last evaluated 2026-01-20.

Conditions:
MVK-related disorder. Also called: MVK-related disorders; MVK-related condition. Identifiers: MedGen CN239294.
Porokeratosis 3, disseminated superficial actinic type (POROK3). Also called: POROKERATOSIS, DISSEMINATED SUPERFICIAL ACTINIC, 1; POROKERATOSIS 3, MULTIPLE TYPES; POROKERATOSIS 3, MIBELLI TYPE. Identifiers: MedGen C1867981, MONDO:0008293, OMIM 175900.
Mevalonic aciduria (MEVA). Identifiers: Orphanet 29, MedGen C1959626, MONDO:0012481, OMIM 610377.
Hyperimmunoglobulin D with periodic fever (HIDS). Also called: HYPERIMMUNOGLOBULINEMIA D AND PERIODIC FEVER SYNDROME; Hyperimmunoglobulinemia D; Hyperimmunoglobulinemia D with periodic fever. Identifiers: Orphanet 343, MedGen C0398691, MONDO:0009849, OMIM 260920.

Allele frequency attached by ClinVar (database versions not stated): gnomAD exomes 0.00001 and 0.00003; ExAC 0.00002; gnomAD 0.00004 and 0.00005; TOPMed 0.00005.

Submissions (4):

Labcorp Genetics (formerly Invitae), Labcorp
Classification: Likely benign for Mevalonic aciduria; Hyperimmunoglobulin D with periodic fever; Porokeratosis 3, disseminated superficial actinic type. Last evaluated: 2026-01-20. Review status: criteria provided, single submitter. Criteria: Invitae Variant Classification Sherloc (09022015). Collection method: clinical testing. Allele origin: germline.

CeGaT Center for Human Genetics Tuebingen
Classification: Likely benign. Last evaluated: 2023-01-01. Review status: criteria provided, single submitter. Criteria: CeGaT Center For Human Genetics Tuebingen Variant Classification Criteria Version 2. Collection method: clinical testing. Allele origin: germline. Affected: yes. Observed: 1 variant allele.
Comment: MVK: BP4

GeneDx
Classification: Likely benign. Last evaluated: 2016-02-05. Review status: criteria provided, single submitter. Criteria: GeneDx Variant Classification (06012015). Collection method: clinical testing. Allele origin: germline. Affected: yes.
Comment: This variant is considered likely benign or benign based on one or more of the following criteria: it is a conservative change, it occurs at a poorly conserved position in the protein, it is predicted to be benign by multiple in silico algorithms, and/or has population frequency not consistent with disease.

PreventionGenetics, part of Exact Sciences
Classification: Likely benign for MVK-related condition. Last evaluated: 2019-06-11. Review status: no assertion criteria provided. Collection method: clinical testing. Allele origin: germline. Not counted in ClinVar's aggregate classification.
Comment: This variant is classified as likely benign based on ACMG/AMP sequence variant interpretation guidelines (Richards et al. 2015 PMID: 25741868, with internal and published modifications).

NM_000431.4(MVK):c.78+7_78+10del

Gene: MVK (mevalonate kinase; plus strand). Cytogenetic location: 12q24.11.
Variant type: Deletion.
Coding change: c.78+7_78+10del on transcript NM_000431.4 (MANE Select); bases 7 to 10 of the intron after coding-DNA position 78, 4 bases deleted (AGCC; older notation c.78+7_78+10delAGCC).
Molecular consequence: intron variant.
Genome position (GRCh38, 1-based): chr12:109,574,907-109,574,910, AGCC deleted. VCF-style (leftmost placement, unchanged base first): chr12-109574906-AAGCC-A. GRCh37 (hg19) VCF-style: chr12-110012711-AAGCC-A.
Other names: c.78+7_78+10del (LRG_156t1, NM_000431.3, NM_001301182.2 and 1 more transcripts).
Identifiers: ClinVar variation 246309 (VCV000246309.40), dbSNP rs771523264, ClinGen allele CA6779140.